The following is an entry in ClinVar:

ClinVar aggregate classification (germline): Uncertain significance (1 of 4 stars; one submission).

Conditions:
Mitochondrial complex II deficiency, nuclear type 1. Also called: SUCCINATE CoQ REDUCTASE DEFICIENCY. Identifiers: Orphanet 3208, MedGen C5700310, MONDO:0100294, OMIM 252011.
Pheochromocytoma/paraganglioma syndrome 5. Also called: Paragangliomas 5; SDHA-Related Hereditary Paraganglioma-Pheochromocytoma Syndrome. Identifiers: Orphanet 29072, MedGen C3279992, MONDO:0013602, OMIM 614165.

Submission:

Labcorp Genetics (formerly Invitae), Labcorp
Classification: Uncertain significance for Pheochromocytoma/paraganglioma syndrome 5; Mitochondrial complex II deficiency, nuclear type 1. Last evaluated: 2022-04-30. Review status: criteria provided, single submitter. Criteria: Invitae Variant Classification Sherloc (09022015). Collection method: clinical testing. Allele origin: germline.
Comment: In summary, the available evidence is currently insufficient to determine the role of this variant in disease. Therefore, it has been classified as a Variant of Uncertain Significance. Advanced modeling of protein sequence and biophysical properties (such as structural, functional, and spatial information, amino acid conservation, physicochemical variation, residue mobility, and thermodynamic stability) performed at Invitae indicates that this missense variant is not expected to disrupt SDHA protein function. This variant has not been reported in the literature in individuals affected with SDHA-related conditions. This variant is not present in population databases (gnomAD no frequency). This sequence change replaces asparagine, which is neutral and polar, with aspartic acid, which is acidic and polar, at codon 251 of the SDHA protein (p.Asn251Asp).

NM_004168.4(SDHA):c.751A>G (p.Asn251Asp)

Gene: SDHA (succinate dehydrogenase complex flavoprotein subunit A; plus strand). Cytogenetic location: 5p15.33.
Variant type: single nucleotide variant.
Coding change: c.751A>G on transcript NM_004168.4 (MANE Select); coding-DNA position 751, A replaced by G.
Protein change: p.Asn251Asp; replaces asparagine 251 with aspartic acid.
Molecular consequence: missense variant.
Genome position (GRCh38, 1-based): chr5:228,314, A>G. VCF-style: chr5-228314-A-G. GRCh37 (hg19) VCF-style: chr5-228429-A-G.
Other names: c.607A>G, p.Asn203Asp (NM_001294332.2); c.751A>G, p.Asn251Asp (NM_001330758.2); short protein forms N251D, N203D.
Identifiers: ClinVar variation 2124010 (VCV002124010.4), dbSNP rs2477317513, ClinGen allele CA359011181.